The following is an entry in ClinVar:

ClinVar aggregate classification (germline): Uncertain significance (1 of 4 stars; one submission).

gnomAD v4.1: 3 of 1,578,944 alleles (0.00019%); highest among the groups gnomAD compares: Admixed American, 0.0018%; no homozygotes.

Submission:

GeneDx
Classification: Uncertain significance. Last evaluated: 2024-04-02. Review status: criteria provided, single submitter. Criteria: GeneDx Variant Classification Process June 2021. Collection method: clinical testing. Allele origin: germline. Affected: yes.
Comment: Not observed at significant frequency in large population cohorts (gnomAD); In silico analysis supports that this missense variant has a deleterious effect on protein structure/function; Has not been previously published as pathogenic or benign to our knowledge

NM_001080414.4(CCDC88C):c.1135A>G (p.Lys379Glu)

Gene: CCDC88C (coiled-coil domain containing 88C; minus strand). Cytogenetic location: 14q32.11.
Variant type: single nucleotide variant.
Coding change: c.1135A>G on transcript NM_001080414.4 (MANE Select); coding-DNA position 1135, A replaced by G.
Protein change: p.Lys379Glu; replaces lysine 379 with glutamic acid.
Molecular consequence: missense variant. On other transcripts: non-coding transcript variant (2).
Genome position (GRCh38, 1-based): chr14:91,325,972, T>C on the plus strand (A>G on the coding strand, the complement: CCDC88C is on the minus strand). VCF-style: chr14-91325972-T-C. GRCh37 (hg19) VCF-style: chr14-91792316-T-C.
Other names: short protein forms K379E.
Identifiers: ClinVar variation 3371998 (VCV003371998.1).
Genomic context (GRCh38, chr14:91,325,972, plus strand): 5'-ATTCCAGGTCGTGAAGCTTGGATTTCAGCTGCAGGTTCTCCTTTTCCAGCTCATGGACTT[T>C]ATCGCCCCGGGCCCGAGCAGCAGTCAGCTGTTCCTCCAGCATGGCCTTGGTTTCAATTAA-3'
Protein context (NP_001073883.2, residues 369-389): QLTAARARGD[Lys379Glu]VHELEKENLQ